The following is an entry in ClinVar:

ClinVar aggregate classification (germline): Uncertain significance (1 of 4 stars; one submission).

Submission:

Labcorp Genetics (formerly Invitae), Labcorp
Classification: Uncertain significance. Last evaluated: 2025-02-20. Review status: criteria provided, single submitter. Criteria: Invitae Variant Classification Sherloc (09022015). Collection method: clinical testing. Allele origin: germline.
Comment: This variant, c.170_181del, results in the deletion of 4 amino acid(s) of the ANKZF1 protein (p.Pro57_Lys60del), but otherwise preserves the integrity of the reading frame. This variant is not present in population databases (gnomAD no frequency). This variant has not been reported in the literature in individuals affected with ANKZF1-related conditions. Experimental studies and prediction algorithms are not available or were not evaluated, and the functional significance of this variant is currently unknown. In summary, the available evidence is currently insufficient to determine the role of this variant in disease. Therefore, it has been classified as a Variant of Uncertain Significance.

NM_018089.3(ANKZF1):c.170_181del (p.Pro57_Lys60del)

Gene: ANKZF1 (ankyrin repeat and zinc finger peptidyl tRNA hydrolase 1; plus strand). Cytogenetic location: 2q35.
Variant type: Deletion.
Coding change: c.170_181del on transcript NM_018089.3 (MANE Select); coding-DNA positions 170 to 181, 12 bases deleted (CAGAAAGAAAGC).
Protein change: p.Pro57_Lys60del.
Molecular consequence: inframe deletion. On other transcripts: intron variant (1).
Genome position (GRCh38, 1-based): chr2:219,231,949-219,231,960, CAGAAAGAAAGC deleted; deleting any 12 consecutive bases within chr2:219,231,948-219,231,960 gives the same sequence; the c. name uses the placement nearest the transcript's 3' end. VCF-style (leftmost placement, unchanged base first): chr2-219231947-CCCAGAAAGAAAG-C. GRCh37 (hg19) VCF-style: chr2-220096669-CCCAGAAAGAAAG-C.
Other names: c.170_181del, p.Pro57_Lys60del (NM_001042410.2); c.-266-541_-266-530del (NM_001282792.2).
Identifiers: ClinVar variation 4711421 (VCV004711421.1).
Genomic context (GRCh38, chr2:219,231,947, plus strand): 5'-TGGGCTCCCTTTCTATGTCCAATTCCTCTTCCCTTATTTAGGCTCAGGGGAGAGAGAAAG[CCCAGAAAGAAAG>C]CTACTCCAGGGTCCTATGGATATTTCAGAGAAGTTATTTTGTTCAACTTGTGACCAGACC-3'